The following is an entry in ClinVar:

NM_000297.4(PKD2):c.444C>T (p.Gly148=)

Genes: PKD2 (polycystin 2, transient receptor potential cation channel; plus strand), LOC129992813 (ATAC-STARR-seq lymphoblastoid silent region 15559; plus strand). Cytogenetic location: 4q22.1.
Variant type: single nucleotide variant.
Coding change: c.444C>T on transcript NM_000297.4 (MANE Select); coding-DNA position 444, C replaced by T.
Protein change: p.Gly148=; no amino-acid change (glycine 148 retained).
Molecular consequence: synonymous variant. On other transcripts: non-coding transcript variant (1).
Genome position (GRCh38, 1-based): chr4:88,008,177, C>T. VCF-style: chr4-88008177-C-T. GRCh37 (hg19) VCF-style: chr4-88929329-C-T.
Other names: p.Gly148=.
Identifiers: ClinVar variation 255794 (VCV000255794.27), dbSNP rs181704860, ClinGen allele CA3003728.
Genomic context (GRCh38, chr4:88,008,177, plus strand): 5'-CTCGGCCGTGAGCTCCGTGGGCGCGCGGAGCCGGGGGCTTGGGGGCTACCACGGCGCGGG[C>T]CACCCGAGCGGGAGGCGGCGCCGGCGAGAGGACCAGGGCCCGCCGTGCCCCAGCCCAGTC-3'
Protein context (NP_000288.1, residues 138-158): SRGLGGYHGA[Gly148=]HPSGRRRRRE

ClinVar aggregate classification (germline): Benign/Likely benign. Review status: criteria provided, multiple submitters, no conflicts (2 of 4 stars). 8 submissions from 8 submitters: Benign (6); Likely benign (1). 1 of the submissions does not count toward it. Last evaluated 2026-01-27.

Conditions:
Autosomal dominant polycystic kidney disease. Identifiers: Orphanet 730, MedGen C0085413, MONDO:0004691.
Polycystic kidney disease 2 (PKD2). Also called: Polycystic Kidney Disease 2, Autosomal Dominant; POLYCYSTIC KIDNEY DISEASE, ADULT, TYPE II; POLYCYSTIC KIDNEY DISEASE 2 WITH OR WITHOUT POLYCYSTIC LIVER DISEASE. Identifiers: MedGen C2751306, MONDO:0013131, OMIM 613095.
Polycystic kidney disease. Also called: Polycystic kidney dysplasia; Kidney, Polycystic. Identifiers: MedGen C0022680, MeSH D007690, MONDO:0020642, HP:0000113.

Allele frequency attached by ClinVar (database versions not stated): gnomAD exomes 0.00052 and 0.00083; ExAC 0.00055; 1000 Genomes Project 0.00499; 1000 Genomes Project 30x 0.00593; gnomAD 0.00680; TOPMed 0.00715.
gnomAD v4.1: 1,650 of 1,391,656 alleles (0.12%); highest among the groups gnomAD compares: African/African-American, 2.2%; 25 homozygotes.

Submissions (8):

Labcorp Genetics (formerly Invitae), Labcorp
Classification: Benign for Autosomal dominant polycystic kidney disease. Last evaluated: 2026-01-27. Review status: criteria provided, single submitter. Criteria: Invitae Variant Classification Sherloc (09022015). Collection method: clinical testing. Allele origin: germline.

Blueprint Genetics
Classification: Likely benign. Last evaluated: 2024-10-09. Review status: criteria provided, single submitter. Criteria: ACMG Guidelines, 2015. Collection method: clinical testing. Allele origin: germline.

Mayo Clinic Laboratories, Mayo Clinic
Classification: Benign. Last evaluated: 2022-11-14. Review status: criteria provided, single submitter. Criteria: ACMG Guidelines, 2015. Collection method: clinical testing. Allele origin: germline. Observed: 3 variant alleles.
Comment: BS1, BS2, BP4, BP7

ARUP Laboratories, Molecular Genetics and Genomics, ARUP Laboratories
Classification: Benign for Polycystic kidney disease 2. Last evaluated: 2019-03-01. Review status: criteria provided, single submitter. Criteria: ARUP Molecular Germline Variant Investigation Process. Collection method: clinical testing. Allele origin: germline.

Athena Diagnostics
Classification: Benign. Last evaluated: 2018-03-22. Review status: criteria provided, single submitter. Criteria: Athena Diagnostics Criteria. Collection method: clinical testing. Allele origin: germline.

Breakthrough Genomics
Classification: Benign. Review status: criteria provided, single submitter. Criteria: ACMG Guidelines, 2015. Collection method: not provided. Allele origin: germline. Inheritance: Autosomal dominant inheritance. Affected: yes.

PreventionGenetics, part of Exact Sciences
Classification: Benign. Review status: criteria provided, single submitter. Criteria: ACMG Guidelines, 2015. Collection method: clinical testing. Allele origin: germline.

Department of Pathology and Laboratory Medicine, Sinai Health System
Classification: Likely benign for Polycystic Kidney disease. Review status: no assertion criteria provided. Collection method: clinical testing. Allele origin: unknown. Affected: yes. Study: The Canadian Open Genetics Repository (COGR). Not counted in ClinVar's aggregate classification.
Comment: The PKD2 p.Gly148Gly variant was not identified in the literature nor was it identified in the Clinvitae database, the ClinVar database, GeneInsight COGR database, and the PKD2-LOVD database. The variant was identified in dbSNP (ID: rs181704860) as â€šÃ„ÃºNAâ€šÃ„Ã¹, the ADPKD Mutation Database (classification likely neutral), 1000 Genomes Project in 25 of 5000 chromosomes (frequency: 0.005), HAPMAP-AFR population in 25 of 1322 chromosomes (frequency: 0.9811), and in the Exome Aggregation Consortium database (March 14, 2016) in 3 of 5436 chromosomes (freq. 0.00055) in the African population in 3 (1 homozygous) of 100 chromosomes (freq. 0.03) and was not seen in East Asian, European (Non-Finnish), Latino, Other, South Asian, and Finnish populations increasing the likelihood this could be a low frequency benign variant. The p.Gly148Gly variant is not expected to have clinical significance because it does not result in a change of amino acid and is not located in a known consensus splice site. In addition, 1 of 5 in silico or computational prediction software programs (SpliceSiteFinder, MaxEntScan, NNSPLICE, GeneSplicer, HumanSpliceFinder) predict a greater than 10% difference in splicing; this is not very predictive of pathogenicity. In summary, based on the above information, the clinical significance of this variant cannot be determined with certainty at this time although we would lean towards a more benign role for this variant. This variant is classified as likely benign.